The following is an entry in ClinVar:

ClinVar aggregate classification (germline): Uncertain significance (1 of 4 stars; one submission).

Submission:

GeneDx
Classification: Uncertain significance. Last evaluated: 2023-02-02. Review status: criteria provided, single submitter. Criteria: GeneDx Variant Classification Process June 2021. Collection method: clinical testing. Allele origin: germline. Affected: yes.
Comment: Not observed at significant frequency in large population cohorts (gnomAD); In silico analysis supports that this missense variant has a deleterious effect on protein structure/function; Has not been previously published as pathogenic or benign to our knowledge

NM_001009944.3(PKD1):c.8303T>A (p.Val2768Glu)

Gene: PKD1 (polycystin 1, transient receptor potential channel interacting; minus strand). Cytogenetic location: 16p13.3.
Variant type: single nucleotide variant.
Coding change: c.8303T>A on transcript NM_001009944.3 (MANE Select); coding-DNA position 8303, T replaced by A.
Protein change: p.Val2768Glu; replaces valine 2768 with glutamic acid.
Molecular consequence: missense variant.
Genome position (GRCh38, 1-based): chr16:2,103,754, A>T on the plus strand (T>A on the coding strand, the complement: PKD1 is on the minus strand). VCF-style: chr16-2103754-A-T. GRCh37 (hg19) VCF-style: chr16-2153755-A-T.
Other names: c.8303T>A, p.Val2768Glu (NM_000296.4); short protein forms V2768E.
Identifiers: ClinVar variation 2574861 (VCV002574861.1), dbSNP rs2544745849, ClinGen allele CA394364722.